The following is an entry in ClinVar:

NM_001042492.3(NF1):c.2579del (p.Leu860fs)

Gene: NF1 (neurofibromin 1; plus strand). Cytogenetic location: 17q11.2.
Variant type: Deletion.
Coding change: c.2579del on transcript NM_001042492.3 (MANE Select); coding-DNA position 2579, one base deleted (T; older notation c.2579delT).
Protein change: p.Leu860fs; shifts the reading frame from leucine 860.
Molecular consequence: frameshift variant.
Genome position (GRCh38, 1-based): chr17:31,229,194, T deleted. VCF-style (leftmost placement, unchanged base first): chr17-31229193-CT-C. GRCh37 (hg19) VCF-style: chr17-29556211-CT-C.
Other names: c.2579delT, p.Leu860Argfs (NM_000267.4); short protein forms L860fs.
Identifiers: ClinVar variation 2839103 (VCV002839103.3), dbSNP rs2508184571, ClinGen allele CA2739267356.

ClinVar aggregate classification (germline): Pathogenic (1 of 4 stars; one submission).

Conditions:
Neurofibromatosis, type 1 (NF1). Also called: Neurofibromatosis, type I; VON RECKLINGHAUSEN DISEASE; NEUROFIBROMATOSIS, TYPE I, SOMATIC; Peripheral type neurofibromatosis. Identifiers: Orphanet 636, MedGen C0027831, MONDO:0018975, OMIM 162200. Disease mechanism: loss of function.

Submission:

Labcorp Genetics (formerly Invitae), Labcorp
Classification: Pathogenic for Neurofibromatosis, type 1. Last evaluated: 2023-12-29. Review status: criteria provided, single submitter. Criteria: Invitae Variant Classification Sherloc (09022015). Collection method: clinical testing. Allele origin: germline.
Comment: This sequence change creates a premature translational stop signal (p.Leu860Argfs*18) in the NF1 gene. It is expected to result in an absent or disrupted protein product. Loss-of-function variants in NF1 are known to be pathogenic (PMID: 10712197, 23913538). This variant is not present in population databases (gnomAD no frequency). This variant has not been reported in the literature in individuals affected with NF1-related conditions. For these reasons, this variant has been classified as Pathogenic.

Literature cited by the submitters: PubMed 10712197; PubMed 23913538.